The following is an entry in ClinVar:

ClinVar aggregate classification (germline): Likely pathogenic (1 of 4 stars; one submission).

Conditions:
Dilated cardiomyopathy 1G (CMD1G). Identifiers: Orphanet 154, MedGen C1858763, MONDO:0011400, OMIM 604145.
Autosomal recessive limb-girdle muscular dystrophy type 2J (LGMDR10). Also called: Limb-girdle muscular dystrophy, type 2J; MUSCULAR DYSTROPHY, LIMB-GIRDLE, AUTOSOMAL RECESSIVE 10. Identifiers: Orphanet 140922, MedGen C1837342, MONDO:0012127, OMIM 608807.

Allele frequency attached by ClinVar (database versions not stated): TOPMed below 0.00001; gnomAD 0.00001.

Submission:

Labcorp Genetics (formerly Invitae), Labcorp
Classification: Likely pathogenic for Dilated cardiomyopathy 1G; Autosomal recessive limb-girdle muscular dystrophy type 2J. Last evaluated: 2024-10-18. Review status: criteria provided, single submitter. Criteria: Invitae Variant Classification Sherloc (09022015). Collection method: clinical testing. Allele origin: germline.
Comment: This sequence change affects a donor splice site in intron 207 of the TTN gene. It is expected to disrupt RNA splicing and likely results in a truncated or disrupted TTN protein. This variant is not present in population databases (gnomAD no frequency). This variant has not been reported in the literature in individuals affected with TTN-related conditions. ClinVar contains an entry for this variant (Variation ID: 1366948). Algorithms developed to predict the effect of sequence changes on RNA splicing suggest that this variant may disrupt the consensus splice site. This variant is located in the I band of TTN (PMID: 25589632). Truncating variants in this region have been reported in individuals affected with autosomal recessive centronuclear myopathy (PMID: 23975875, internal data). Truncating variants in this region have also been identified in individuals affected with autosomal dominant dilated cardiomyopathy and/or cardio-related conditions (PMID: 27869827, 32964742, internal data). In summary, the currently available evidence indicates that the variant is pathogenic, but additional data are needed to prove that conclusively. Therefore, this variant has been classified as Likely Pathogenic.

Literature cited by the submitters: PubMed 25589632; PubMed 23975875; PubMed 27869827; PubMed 32964742.

NM_001267550.2(TTN):c.39547+1G>A

Gene: TTN (titin; minus strand). Cytogenetic location: 2q31.2.
Variant type: single nucleotide variant.
Coding change: c.39547+1G>A on transcript NM_001267550.2 (MANE Select); the canonical splice donor site of the intron after coding-DNA position 39547, G replaced by A.
Molecular consequence: splice donor variant. On other transcripts: intron variant (3).
Genome position (GRCh38, 1-based): chr2:178,651,452, C>T on the plus strand (G>A on the coding strand, the complement: TTN is on the minus strand). VCF-style: chr2-178651452-C-T. GRCh37 (hg19) VCF-style: chr2-179516179-C-T.
Other names: c.13283-9135G>A (NM_003319.4); c.13859-9135G>A (NM_133437.4); c.13658-9135G>A (NM_133432.3); c.32245+1G>A (NM_133378.4); c.35026+1G>A (NM_001256850.1).
Identifiers: ClinVar variation 1366948 (VCV001366948.6), dbSNP rs1335572575, ClinGen allele CA349454982.